The following is an entry in ClinVar:

NM_001164508.2(NEB):c.6713C>T (p.Thr2238Ile)

Gene: NEB (nebulin; minus strand). Cytogenetic location: 2q23.3.
Variant type: single nucleotide variant.
Coding change: c.6713C>T on transcript NM_001164508.2 (MANE Select); coding-DNA position 6713, C replaced by T.
Protein change: p.Thr2238Ile; replaces threonine 2238 with isoleucine.
Molecular consequence: missense variant.
Genome position (GRCh38, 1-based): chr2:151,655,364, G>A on the plus strand (C>T on the coding strand, the complement: NEB is on the minus strand). VCF-style: chr2-151655364-G-A. GRCh37 (hg19) VCF-style: chr2-152511878-G-A.
Other names: c.6713C>T, p.Thr2238Ile (NM_001164507.2, NM_001271208.2, NM_004543.5); short protein forms T2238I.
Identifiers: ClinVar variation 2046091 (VCV002046091.4), dbSNP rs368244387, ClinGen allele CA348794731.

ClinVar aggregate classification (germline): Uncertain significance (1 of 4 stars; one submission).

Conditions:
Nemaline myopathy 2 (NEM2). Also called: Nemaline myopathy 2, autosomal recessive. Identifiers: MedGen C1850569, MONDO:0009725, OMIM 256030.

gnomAD v4.1: 1 of 1,563,664 alleles (0.000064%); no homozygotes.

Submission:

Labcorp Genetics (formerly Invitae), Labcorp
Classification: Uncertain significance for Nemaline myopathy 2. Last evaluated: 2023-08-09. Review status: criteria provided, single submitter. Criteria: Invitae Variant Classification Sherloc (09022015). Collection method: clinical testing. Allele origin: germline.
Comment: This sequence change replaces threonine, which is neutral and polar, with isoleucine, which is neutral and non-polar, at codon 2238 of the NEB protein (p.Thr2238Ile). In summary, the available evidence is currently insufficient to determine the role of this variant in disease. Therefore, it has been classified as a Variant of Uncertain Significance. Experimental studies and prediction algorithms are not available or were not evaluated, and the functional significance of this variant is currently unknown. ClinVar contains an entry for this variant (Variation ID: 2046091). This variant has not been reported in the literature in individuals affected with NEB-related conditions. This variant is not present in population databases (gnomAD no frequency).